The following is an entry in ClinVar:

NM_000255.4(MMUT):c.1280_1281delinsTA (p.Gly427Val)

Gene: MMUT (methylmalonyl-CoA mutase; minus strand). Cytogenetic location: 6p12.3.
Variant type: Indel.
Coding change: c.1280_1281delinsTA on transcript NM_000255.4 (MANE Select); coding-DNA positions 1280 to 1281, GT replaced by TA.
Protein change: p.Gly427Val; replaces glycine 427 with valine.
Molecular consequence: missense variant.
Genome position (GRCh38, 1-based): chr6:49,451,517-49,451,518, AC replaced by TA on the plus strand (GT replaced by TA on the coding strand, the reverse complement: MMUT is on the minus strand). VCF-style: chr6-49451517-AC-TA. GRCh37 (hg19) VCF-style: chr6-49419230-AC-TA.
Other names: short protein forms G427V.
Identifiers: ClinVar variation 1997706 (VCV001997706.4), dbSNP rs2481333874, ClinGen allele CA2580074725.

ClinVar aggregate classification (germline): Uncertain significance (1 of 4 stars; one submission).

Submission:

Labcorp Genetics (formerly Invitae), Labcorp
Classification: Uncertain significance. Last evaluated: 2022-05-21. Review status: criteria provided, single submitter. Criteria: Invitae Variant Classification Sherloc (09022015). Collection method: clinical testing. Allele origin: germline.
Comment: This sequence change replaces glycine, which is neutral and non-polar, with valine, which is neutral and non-polar, at codon 427 of the MUT protein (p.Gly427Val). Information on the frequency of this variant in the gnomAD database is not available, as this variant may be reported differently in the database. This variant has not been reported in the literature in individuals affected with MUT-related conditions. Algorithms developed to predict the effect of missense changes on protein structure and function are either unavailable or do not agree on the potential impact of this missense change (SIFT: "Not Available"; PolyPhen-2: "Probably Damaging"; Align-GVGD: "Not Available"). This variant disrupts the p.Gly427 amino acid residue in MUT. Other variant(s) that disrupt this residue have been determined to be pathogenic (PMID: 16281286, 25299208, 27233228). This suggests that this residue is clinically significant, and that variants that disrupt this residue are likely to be disease-causing. In summary, the available evidence is currently insufficient to determine the role of this variant in disease. Therefore, it has been classified as a Variant of Uncertain Significance.

Literature cited by the submitters: PubMed 16281286; PubMed 25299208; PubMed 27233228.